The following is an entry in ClinVar:

NM_080424.4(SP110):c.1784T>G (p.Leu595Arg)

Gene: SP110 (SP110 nuclear body protein; minus strand). Cytogenetic location: 2q37.1.
Variant type: single nucleotide variant.
Coding change: c.1784T>G on transcript NM_080424.4 (MANE Select); coding-DNA position 1784, T replaced by G.
Protein change: p.Leu595Arg; replaces leucine 595 with arginine.
Molecular consequence: missense variant.
Genome position (GRCh38, 1-based): chr2:230,172,097, A>C on the plus strand (T>G on the coding strand, the complement: SP110 is on the minus strand). VCF-style: chr2-230172097-A-C. GRCh37 (hg19) VCF-style: chr2-231036813-A-C.
Other names: c.1802T>G, p.Leu601Arg (NM_001378442.1, NM_001378444.1, NM_001378445.1 and 1 more transcripts); c.1784T>G, p.Leu595Arg (NM_001378443.1, NM_004509.5); short protein forms L595R, L601R.
Identifiers: ClinVar variation 2122685 (VCV002122685.4), dbSNP rs2469400673, ClinGen allele CA350900322.

ClinVar aggregate classification (germline): Uncertain significance (1 of 4 stars; one submission).

Conditions:
Hepatic veno-occlusive disease-immunodeficiency syndrome. Also called: Hepatic Veno-Occlusive Disease with Immunodeficiency. Identifiers: Orphanet 79124, MedGen C1856128, MONDO:0009338, OMIM 235550. Disease mechanism: loss of function.

Submission:

Labcorp Genetics (formerly Invitae), Labcorp
Classification: Uncertain significance for Hepatic veno-occlusive disease-immunodeficiency syndrome. Last evaluated: 2024-12-02. Review status: criteria provided, single submitter. Criteria: Invitae Variant Classification Sherloc (09022015). Collection method: clinical testing. Allele origin: germline.
Comment: This sequence change replaces leucine, which is neutral and non-polar, with arginine, which is basic and polar, at codon 595 of the SP110 protein (p.Leu595Arg). This variant is not present in population databases (gnomAD no frequency). This variant has not been reported in the literature in individuals affected with SP110-related conditions. ClinVar contains an entry for this variant (Variation ID: 2122685). An algorithm developed to predict the effect of missense changes on protein structure and function outputs the following: PolyPhen-2: "Possibly Damaging". The arginine amino acid residue is found in multiple mammalian species, which suggests that this missense change does not adversely affect protein function. In summary, the available evidence is currently insufficient to determine the role of this variant in disease. Therefore, it has been classified as a Variant of Uncertain Significance.